The following is an entry in ClinVar:

NM_001353694.2(TIAM1):c.1941G>C (p.Thr647=)

Gene: TIAM1 (TIAM Rac1 associated GEF 1; minus strand). Cytogenetic location: 21q22.11.
Variant type: single nucleotide variant.
Coding change: c.1941G>C on transcript NM_001353694.2 (MANE Select); coding-DNA position 1941, G replaced by C.
Protein change: p.Thr647=; no amino-acid change (threonine 647 retained).
Molecular consequence: synonymous variant.
Genome position (GRCh38, 1-based): chr21:31,223,460, C>G on the plus strand (G>C on the coding strand, the complement: TIAM1 is on the minus strand). VCF-style: chr21-31223460-C-G. GRCh37 (hg19) VCF-style: chr21-32595776-C-G.
Other names: c.1941G>C, p.Thr647= (NM_001353686.2, NM_001353687.2, NM_001353688.1 and 6 more transcripts).
Identifiers: ClinVar variation 3039997 (VCV003039997.3), dbSNP rs143304426, ClinGen allele CA9998326.

ClinVar aggregate classification (germline): Likely benign. Review status: criteria provided, single submitter (1 of 4 stars). 2 submissions from 2 submitters: Likely benign (1). 1 of the submissions does not count toward it. Last evaluated 2026-06-01.

Conditions:
TIAM1-related disorder. Also called: TIAM1-related condition.

gnomAD v4.1: 218 of 1,613,842 alleles (0.014%); highest among the groups gnomAD compares: South Asian, 0.12%; 4 homozygotes.

Submissions (2):

CeGaT Center for Human Genetics Tuebingen
Classification: Likely benign. Last evaluated: 2026-06-01. Review status: criteria provided, single submitter. Criteria: CeGaT Center For Human Genetics Tuebingen Variant Classification Criteria Version 2. Collection method: clinical testing. Allele origin: germline. Affected: yes. Observed: 1 variant allele.
Comment: TIAM1: BP4, BP7

PreventionGenetics, part of Exact Sciences
Classification: Likely benign for TIAM1-related condition. Last evaluated: 2019-09-19. Review status: no assertion criteria provided. Collection method: clinical testing. Allele origin: germline. Not counted in ClinVar's aggregate classification.
Comment: This variant is classified as likely benign based on ACMG/AMP sequence variant interpretation guidelines (Richards et al. 2015 PMID: 25741868, with internal and published modifications).